The following is an entry in ClinVar:

NM_001048174.2(MUTYH):c.1015C>A (p.Pro339Thr)

Gene: MUTYH (mutY DNA glycosylase; minus strand). Cytogenetic location: 1p34.1.
Variant type: single nucleotide variant.
Coding change: c.1015C>A on transcript NM_001048174.2 (MANE Select); coding-DNA position 1015, C replaced by A.
Protein change: p.Pro339Thr; replaces proline 339 with threonine.
Molecular consequence: missense variant. On other transcripts: non-coding transcript variant (7).
Genome position (GRCh38, 1-based): chr1:45,331,748, G>T on the plus strand (C>A on the coding strand, the complement: MUTYH is on the minus strand). VCF-style: chr1-45331748-G-T. GRCh37 (hg19) VCF-style: chr1-45797420-G-T.
Other names: c.1015C>A, p.Pro339Thr (NM_001293195.2, NM_001407070.1, NM_001407072.1 and 6 more transcripts); c.739C>A, p.Pro247Thr (NM_001293196.2, NM_001407091.1, NM_001293192.2); c.670C>A, p.Pro224Thr (NM_001350650.2, NM_001350651.2, NM_001407082.1); c.1048C>A, p.Pro350Thr (NM_001407069.1, NM_001293191.2, NM_001407077.1); c.1018C>A, p.Pro340Thr (NM_001407071.1, NM_001048172.2, NM_001407078.1 and 1 more transcripts); c.1036C>A, p.Pro346Thr (NM_001407087.1); c.1090C>A, p.Pro364Thr (NM_012222.3); c.1099C>A, p.Pro367Thr (NM_001128425.2); and 5 more; short protein forms P224T, P354T, P325T, P339T, P340T, P346T, P367T, P247T.
Identifiers: ClinVar variation 4113011 (VCV004113011.1).

ClinVar aggregate classification (germline): Uncertain significance (1 of 4 stars; one submission).

Conditions:
Hereditary cancer-predisposing syndrome. Also called: Tumor predisposition; Neoplastic Syndromes, Hereditary; Hereditary neoplastic syndrome; Hereditary Cancer Syndrome. Identifiers: Orphanet 140162, MedGen C0027672, MeSH D009386, MONDO:0015356.

Submission:

Ambry Genetics
Classification: Uncertain significance for Hereditary cancer-predisposing syndrome. Last evaluated: 2025-08-27. Review status: criteria provided, single submitter. Criteria: Ambry Variant Classification Scheme 2023. Collection method: clinical testing. Allele origin: germline.
Comment: The p.P367T variant (also known as c.1099C>A), located in coding exon 12 of the MUTYH gene, results from a C to A substitution at nucleotide position 1099. The proline at codon 367 is replaced by threonine, an amino acid with highly similar properties. This amino acid position is conserved. In addition, the in silico prediction for this alteration is inconclusive. Based on the available evidence, the clinical significance of this variant remains unclear.